The following is an entry in ClinVar:

ClinVar aggregate classification (germline): Likely benign. Review status: criteria provided, single submitter (1 of 4 stars). 2 submissions from 2 submitters: Likely benign (1). 1 of the submissions does not count toward it. Last evaluated 2024-06-04.

Conditions:
Alpha-1-antitrypsin deficiency (A1ATD). Also called: AAT deficiency; A1AT deficiency; Alpha1-Antitrypsin Deficiency. Identifiers: Orphanet 60, MedGen C0221757, MONDO:0013282, OMIM 613490.
SERPINA1-related disorder. Also called: SERPINA1-related condition; SerpinA1-related disorders.

Allele frequency attached by ClinVar (database versions not stated): gnomAD 0.00003 and 0.00004; gnomAD exomes 0.00003 and 0.00011; TOPMed 0.00007; ExAC 0.00010.
gnomAD v4.1: 42 of 1,613,932 alleles (0.0026%); highest among the groups gnomAD compares: Admixed American, 0.068%; no homozygotes.

Submissions (2):

Labcorp Genetics (formerly Invitae), Labcorp
Classification: Likely benign for Alpha-1-antitrypsin deficiency. Last evaluated: 2024-06-04. Review status: criteria provided, single submitter. Criteria: Invitae Variant Classification Sherloc (09022015). Collection method: clinical testing. Allele origin: germline.

PreventionGenetics, part of Exact Sciences
Classification: Likely benign for SERPINA1-related condition. Last evaluated: 2022-02-28. Review status: no assertion criteria provided. Collection method: clinical testing. Allele origin: germline. Not counted in ClinVar's aggregate classification.
Comment: This variant is classified as likely benign based on ACMG/AMP sequence variant interpretation guidelines (Richards et al. 2015 PMID: 25741868, with internal and published modifications).

NM_000295.5(SERPINA1):c.1155C>T (p.Pro385=)

Gene: SERPINA1 (serpin family A member 1; minus strand). Cytogenetic location: 14q32.13.
Variant type: single nucleotide variant.
Coding change: c.1155C>T on transcript NM_000295.5 (MANE Select); coding-DNA position 1155, C replaced by T.
Protein change: p.Pro385=; no amino-acid change (proline 385 retained).
Molecular consequence: synonymous variant.
Genome position (GRCh38, 1-based): chr14:94,378,551, G>A on the plus strand (C>T on the coding strand, the complement: SERPINA1 is on the minus strand). VCF-style: chr14-94378551-G-A. GRCh37 (hg19) VCF-style: chr14-94844888-G-A.
Other names: c.1155C>T, p.Pro385= (NM_001002235.3, NM_001002236.3, NM_001127700.2 and 7 more transcripts).
Identifiers: ClinVar variation 711133 (VCV000711133.10), dbSNP rs774551181, ClinGen allele CA7327262.